The following is an entry in ClinVar:

NM_198076.6(COX20):c.175T>C (p.Cys59Arg)

Gene: COX20 (cytochrome c oxidase assembly factor COX20; plus strand). Cytogenetic location: 1q44.
Variant type: single nucleotide variant.
Coding change: c.175T>C on transcript NM_198076.6 (MANE Select); coding-DNA position 175, T replaced by C.
Protein change: p.Cys59Arg; replaces cysteine 59 with arginine.
Molecular consequence: missense variant. On other transcripts: synonymous variant (1), non-coding transcript variant (3).
Genome position (GRCh38, 1-based): chr1:244,842,212, T>C. VCF-style: chr1-244842212-T-C. GRCh37 (hg19) VCF-style: chr1-245005514-T-C.
Other names: p.Cys59Arg; c.175T>C, p.Cys59Arg (NM_001312871.1); c.211T>C, p.Cys71Arg (NM_001312872.1); c.40T>C, p.Cys14Arg (NM_001312873.1); c.171T>C, p.His57= (NM_001312874.1); c.175T>C (NM_198076.4); short protein forms C14R, C59R, C71R.
Identifiers: ClinVar variation 2421254 (VCV002421254.7), dbSNP rs139895317, ClinGen allele CA1486144.

ClinVar aggregate classification (germline): Uncertain significance. Review status: criteria provided, multiple submitters, no conflicts (2 of 4 stars). 4 submissions from 4 submitters: Uncertain significance (4). Last evaluated 2025-09-11.

Conditions:
Inborn genetic diseases. Identifiers: MedGen C0950123, MeSH D030342.
Mitochondrial complex IV deficiency, nuclear type 11. Also called: Mitochondrial complex 4 deficiency, nuclear type 11. Identifiers: MedGen C5436694, MONDO:0033645, OMIM 619054.

Allele frequency attached by ClinVar (database versions not stated): gnomAD exomes 0.00001; ExAC 0.00006; ESP Exome Variant Server 0.00008; gnomAD 0.00008; TOPMed 0.00008.
gnomAD v4.1: 26 of 1,607,738 alleles (0.0016%); highest among the groups gnomAD compares: African/African-American, 0.023%; no homozygotes.

Submissions (4):

Ambry Genetics
Classification: Uncertain significance for Inborn genetic diseases. Last evaluated: 2025-09-11. Review status: criteria provided, single submitter. Criteria: Ambry Variant Classification Scheme 2023. Collection method: clinical testing. Allele origin: germline.

Mayo Clinic Laboratories, Mayo Clinic
Classification: Uncertain significance. Last evaluated: 2024-07-29. Review status: criteria provided, single submitter. Criteria: ACMG Guidelines, 2015. Collection method: clinical testing. Allele origin: germline. Observed: 1 variant allele.

Fulgent Genetics
Classification: Uncertain significance for Mitochondrial complex IV deficiency, nuclear type 11. Last evaluated: 2024-05-07. Review status: criteria provided, single submitter. Criteria: ACMG Guidelines, 2015. Collection method: clinical testing. Allele origin: germline.

Labcorp Genetics (formerly Invitae), Labcorp
Classification: Uncertain significance. Last evaluated: 2022-08-21. Review status: criteria provided, single submitter. Criteria: Invitae Variant Classification Sherloc (09022015). Collection method: clinical testing. Allele origin: germline.
Comment: This sequence change replaces cysteine, which is neutral and slightly polar, with arginine, which is basic and polar, at codon 59 of the COX20 protein (p.Cys59Arg). This variant is present in population databases (rs139895317, gnomAD 0.03%). This variant has not been reported in the literature in individuals affected with COX20-related conditions. Algorithms developed to predict the effect of missense changes on protein structure and function are either unavailable or do not agree on the potential impact of this missense change (SIFT: "Tolerated"; PolyPhen-2: "Probably Damaging"; Align-GVGD: "Class C0"). In summary, the available evidence is currently insufficient to determine the role of this variant in disease. Therefore, it has been classified as a Variant of Uncertain Significance.